The following is an entry in ClinVar:

ClinVar aggregate classification (germline): Uncertain significance. Review status: criteria provided, multiple submitters, no conflicts (2 of 4 stars). 3 submissions from 3 submitters: Uncertain significance (3). Last evaluated 2025-09-05.

Conditions:
Multiple endocrine neoplasia, type 2 (MEN2). Identifiers: Orphanet 653, MedGen C4048306, MONDO:0019003. Disease mechanism: gain of function.
Hereditary cancer-predisposing syndrome. Also called: Hereditary Cancer Syndrome; Tumor predisposition; Hereditary neoplastic syndrome; Neoplastic Syndromes, Hereditary. Identifiers: Orphanet 140162, MedGen C0027672, MeSH D009386, MONDO:0015356.

gnomAD v4.1: 1 of 1,613,892 alleles (0.000062%); highest among the groups gnomAD compares: Non-Finnish European, 0.000085%; no homozygotes.

Submissions (3):

Color Diagnostics, LLC DBA Color Health
Classification: Uncertain significance for Multiple endocrine neoplasia, type 2. Last evaluated: 2025-09-05. Review status: criteria provided, single submitter. Criteria: ACMG Guidelines, 2015. Collection method: clinical testing. Allele origin: germline.
Comment: This missense variant replaces leucine with histidine at codon 1061 of the RET protein. Computational prediction suggests that this variant may have deleterious impact on protein structure and function. To our knowledge, functional studies have not been reported for this variant. This variant has not been reported in individuals affected with RET-related disorders in the literature. This variant has been identified in 1/251014 chromosomes in the general population by the Genome Aggregation Database (gnomAD). The available evidence is insufficient to determine the role of this variant in disease conclusively. Therefore, this variant is classified as a Variant of Uncertain Significance.

Ambry Genetics
Classification: Uncertain significance for Hereditary cancer-predisposing syndrome. Last evaluated: 2024-03-02. Review status: criteria provided, single submitter. Criteria: Ambry Variant Classification Scheme 2023. Collection method: clinical testing. Allele origin: germline.
Comment: The p.L1061H variant (also known as c.3182T>A), located in coding exon 19 of the RET gene, results from a T to A substitution at nucleotide position 3182. The leucine at codon 1061 is replaced by histidine, an amino acid with similar properties. This amino acid position is conserved. In addition, this alteration is predicted to be deleterious by in silico analysis. Based on the available evidence, the clinical significance of this alteration remains unclear.

Labcorp Genetics (formerly Invitae), Labcorp
Classification: Uncertain significance for Multiple endocrine neoplasia, type 2. Last evaluated: 2023-08-10. Review status: criteria provided, single submitter. Criteria: Invitae Variant Classification Sherloc (09022015). Collection method: clinical testing. Allele origin: germline.
Comment: In summary, the available evidence is currently insufficient to determine the role of this variant in disease. Therefore, it has been classified as a Variant of Uncertain Significance. An algorithm developed to predict the effect of missense changes on protein structure and function (PolyPhen-2) suggests that this variant is likely to be disruptive. This variant has not been reported in the literature in individuals affected with RET-related conditions. This variant is present in population databases (no rsID available, gnomAD 0.0009%). This sequence change replaces leucine, which is neutral and non-polar, with histidine, which is basic and polar, at codon 1061 of the RET protein (p.Leu1061His).

NM_020975.6(RET):c.3182T>A (p.Leu1061His)

Gene: RET (ret proto-oncogene; plus strand). Cytogenetic location: 10q11.21.
Variant type: single nucleotide variant.
Coding change: c.3182T>A on transcript NM_020975.6 (MANE Select); coding-DNA position 3182, T replaced by A.
Protein change: p.Leu1061His; replaces leucine 1061 with histidine.
Molecular consequence: missense variant. On other transcripts: intron variant (4).
Genome position (GRCh38, 1-based): chr10:43,126,717, T>A. VCF-style: chr10-43126717-T-A. GRCh37 (hg19) VCF-style: chr10-43622165-T-A.
Other names: c.3182T>A, p.Leu1061His (NM_000323.2, NM_001406743.1, NM_001406744.1 and 2 more transcripts); c.2420T>A, p.Leu807His (NM_001355216.2); c.3053T>A, p.Leu1018His (NM_001406761.1, NM_001406762.1, NM_001406764.1); c.3047T>A, p.Leu1016His (NM_001406763.1, NM_001406765.1); c.2894T>A, p.Leu965His (NM_001406766.1, NM_001406767.1, NM_001406770.1); c.2918T>A, p.Leu973His (NM_001406768.1); c.2786T>A, p.Leu929His (NM_001406769.1, NM_001406772.1); c.2744T>A, p.Leu915His (NM_001406771.1, NM_001406773.1); and 13 more; short protein forms L1016H, L578H, L717H, L722H, L819H, L929H, L973H, L1018H.
Identifiers: ClinVar variation 2911079 (VCV002911079.5), dbSNP rs536486113, ClinGen allele CA376558552.